The following is an entry in ClinVar:

NM_003036.4(SKI):c.1475-70G>A

Gene: SKI (SKI proto-oncogene; plus strand). Cytogenetic location: 1p36.32.
Variant type: single nucleotide variant.
Coding change: c.1475-70G>A on transcript NM_003036.4 (MANE Select); 70 bases into the intron before coding-DNA position 1475, G replaced by A.
Molecular consequence: intron variant.
Genome position (GRCh38, 1-based): chr1:2,304,223, G>A. VCF-style: chr1-2304223-G-A. GRCh37 (hg19) VCF-style: chr1-2235662-G-A.
Identifiers: ClinVar variation 674297 (VCV000674297.2), dbSNP rs2645073, ClinGen allele CA10980822.
Genomic context (GRCh38, chr1:2,304,223, plus strand): 5'-GGGGGGCTGGTCGCCGGGGGTGCGTTGGTGGCCCCATGTTTCGCAGGTTCCTCCGGGAGC[G>A]GCGCGTCTCCCTGGTGTGGAGCTGCCGGGCACTTCCATGACTTTGTTTCTGTCTCTGCTT-3'

ClinVar aggregate classification (germline): Benign. Review status: criteria provided, multiple submitters, no conflicts (2 of 4 stars). 2 submissions from 2 submitters: Benign (2). Last evaluated 2018-06-19.

Allele frequency attached by ClinVar (database versions not stated): gnomAD 0.19245 and 0.19833; TOPMed 0.21088; 1000 Genomes Project 0.29054; 1000 Genomes Project 30x 0.29825.
gnomAD v4.1: 223,569 of 1,554,654 alleles (14%); highest among the groups gnomAD compares: Admixed American, 33%; 20,967 homozygotes.

Submissions (2):

GeneDx
Classification: Benign. Last evaluated: 2018-06-19. Review status: criteria provided, single submitter. Criteria: GeneDx Variant Classification (06012015). Collection method: clinical testing. Allele origin: germline. Affected: yes.
Comment: This variant is considered likely benign or benign based on one or more of the following criteria: it is a conservative change, it occurs at a poorly conserved position in the protein, it is predicted to be benign by multiple in silico algorithms, and/or has population frequency not consistent with disease.

Breakthrough Genomics
Classification: Benign. Review status: criteria provided, single submitter. Criteria: ACMG Guidelines, 2015. Collection method: not provided. Allele origin: germline. Inheritance: Autosomal dominant inheritance. Affected: yes.